The following is an entry in ClinVar:

ClinVar aggregate classification (germline): Uncertain significance (1 of 4 stars; one submission).

Conditions:
Cardiovascular phenotype. Identifiers: MedGen CN230736.

Submission:

Ambry Genetics
Classification: Uncertain significance for Cardiovascular phenotype. Last evaluated: 2026-06-20. Review status: criteria provided, single submitter. Criteria: Ambry Variant Classification Scheme 2023. Collection method: clinical testing. Allele origin: germline.
Comment: The p.L3277I variant (also known as c.9829C>A), located in coding exon 68 of the RYR2 gene, results from a C to A substitution at nucleotide position 9829. The leucine at codon 3277 is replaced by isoleucine, an amino acid with highly similar properties. This amino acid position is conserved. In addition, this alteration is predicted to be tolerated by in silico analysis. Based on the available evidence, the clinical significance of this variant remains unclear.

NM_001035.3(RYR2):c.9829C>A (p.Leu3277Ile)

Gene: RYR2 (ryanodine receptor 2; plus strand). Cytogenetic location: 1q43.
Variant type: single nucleotide variant.
Coding change: c.9829C>A on transcript NM_001035.3 (MANE Select); coding-DNA position 9829, C replaced by A.
Protein change: p.Leu3277Ile; replaces leucine 3277 with isoleucine.
Molecular consequence: missense variant.
Genome position (GRCh38, 1-based): chr1:237,707,197, C>A. VCF-style: chr1-237707197-C-A. GRCh37 (hg19) VCF-style: chr1-237870497-C-A.
Other names: short protein forms L3277I.
Identifiers: ClinVar variation 5028665 (VCV005028665.1).
Genomic context (GRCh38, chr1:237,707,197, plus strand): 5'-AATCCAGAACGGGCCGAGATGTGCTGCACAGCCCTGAACTCAGAGCACATGAACACACTT[C>A]TAGGGAACATATTGAAAATCATATATAATAACTTGGGGATTGATGAGGGAGCCTGGATGA-3'
Protein context (NP_001026.2, residues 3267-3287): ALNSEHMNTL[Leu3277Ile]GNILKIIYNN